The following is an entry in ClinVar:

NM_006904.7(PRKDC):c.4765A>C (p.Asn1589His)

Gene: PRKDC (protein kinase, DNA-activated, catalytic subunit; minus strand). Cytogenetic location: 8q11.21.
Variant type: single nucleotide variant.
Coding change: c.4765A>C on transcript NM_006904.7 (MANE Select); coding-DNA position 4765, A replaced by C.
Protein change: p.Asn1589His; replaces asparagine 1589 with histidine.
Molecular consequence: missense variant.
Genome position (GRCh38, 1-based): chr8:47,885,955, T>G on the plus strand (A>C on the coding strand, the complement: PRKDC is on the minus strand). VCF-style: chr8-47885955-T-G. GRCh37 (hg19) VCF-style: chr8-48798516-T-G.
Other names: c.4765A>C, p.Asn1589His (NM_001081640.2); short protein forms N1589H.
Identifiers: ClinVar variation 1742915 (VCV001742915.2), dbSNP rs2551873111, ClinGen allele CA371142652.

ClinVar aggregate classification (germline): Uncertain significance (1 of 4 stars; one submission).

Submission:

Ambry Genetics
Classification: Uncertain significance. Last evaluated: 2022-05-30. Review status: criteria provided, single submitter. Criteria: Ambry Variant Classification Scheme 2023. Collection method: clinical testing. Allele origin: germline.
Comment: The p.N1589H variant (also known as c.4765A>C), located in coding exon 36 of the PRKDC gene, results from an A to C substitution at nucleotide position 4765. The asparagine at codon 1589 is replaced by histidine, an amino acid with similar properties. This amino acid position is conserved. In addition, this alteration is predicted to be tolerated by in silico analysis. Since supporting evidence is limited at this time, the clinical significance of this alteration remains unclear.